The following is an entry in ClinVar:

ClinVar aggregate classification (germline): Conflicting classifications of pathogenicity. Review status: criteria provided, conflicting classifications (1 of 4 stars). 4 submissions from 4 submitters: Uncertain significance (2); Likely benign (2). Last evaluated 2025-08-29.

Conditions:
Hereditary cancer-predisposing syndrome. Also called: Hereditary neoplastic syndrome; Hereditary Cancer Syndrome; Neoplastic Syndromes, Hereditary; Tumor predisposition. Identifiers: Orphanet 140162, MedGen C0027672, MeSH D009386, MONDO:0015356.

Allele frequency attached by ClinVar (database versions not stated): gnomAD exomes below 0.00001; TOPMed below 0.00001.
gnomAD v4.1: 3 of 1,613,604 alleles (0.00019%); highest among the groups gnomAD compares: Non-Finnish European, 0.00025%; no homozygotes.

Submissions (4):

Quest Diagnostics Nichols Institute San Juan Capistrano
Classification: Uncertain significance. Last evaluated: 2025-08-29. Review status: criteria provided, single submitter. Criteria: Quest Diagnostics criteria. Collection method: clinical testing. Allele origin: unknown.
Comment: The BRCA1 c.*4C>T variant is located in the 3'-untranslated region of the BRCA1 gene. In the published literature, this variant has been reported in an individual undergoing genetic testing for hereditary cancer (PMID: 31853058 (2020)). This variant has not been reported in large, multi-ethnic general populations (Genome Aggregation Database). Based on the available information, we are unable to determine the clinical significance of this variant.

GeneDx
Classification: Likely benign. Last evaluated: 2019-06-03. Review status: criteria provided, single submitter. Criteria: GeneDx Variant Classification Process June 2021. Collection method: clinical testing. Allele origin: germline. Affected: yes.

Color Diagnostics, LLC DBA Color Health
Classification: Likely benign for Hereditary cancer-predisposing syndrome. Last evaluated: 2016-04-27. Review status: criteria provided, single submitter. Criteria: ACMG Guidelines, 2015. Collection method: clinical testing. Allele origin: germline.

Ambry Genetics
Classification: Uncertain significance for Hereditary cancer-predisposing syndrome. Last evaluated: 2015-12-18. Review status: criteria provided, single submitter. Criteria: Ambry Variant Classification Scheme 2023. Collection method: clinical testing. Allele origin: germline.
Comment: The c.*4C>T variant is located in the 3' untranslated region (3&rsquo; UTR) of the BRCA1 gene. This variant results from a C to T substitution 4 nucleotides downstream of the last translated codon. This variant was not reported in population based cohorts in the following databases: Database of Single Nucleotide Polymorphisms (dbSNP), NHLBI Exome Sequencing Project (ESP), and 1000 Genomes Project. In the ESP, this variant was not observed in 6503 samples (13006 alleles) with coverage at this position. To date, this alteration has been detected with an allele frequency of approximately 0.0004% (greater than 225000 alleles tested) in our clinical cohort. This nucleotide position is not well conserved in available vertebrate species. Since supporting evidence is limited at this time, the clinical significance of c.*4C>T remains unclear.

Literature cited by the submitters: PubMed 31853058 (cited by Quest Diagnostics Nichols Institute San Juan Capistrano); PubMed 30702160 (cited by Quest Diagnostics Nichols Institute San Juan Capistrano).

NM_007294.4(BRCA1):c.*4C>T

Gene: BRCA1 (BRCA1 DNA repair associated; minus strand). Cytogenetic location: 17q21.31.
Variant type: single nucleotide variant.
Coding change: c.*4C>T on transcript NM_007294.4 (MANE Select); 4 bases downstream of the stop codon, C replaced by T.
Molecular consequence: 3 prime UTR variant. On other transcripts: non-coding transcript variant (1).
Genome position (GRCh38, 1-based): chr17:43,045,674, G>A on the plus strand (C>T on the coding strand, the complement: BRCA1 is on the minus strand). VCF-style: chr17-43045674-G-A. GRCh37 (hg19) VCF-style: chr17-41197691-G-A.
Other names: c.*4C>T (NM_001407571.1, NM_001407581.1, NM_001407582.1 and 348 more transcripts); c.*110C>T (NM_001407854.1, NM_001407858.1, NM_001407859.1 and 14 more transcripts).
Identifiers: ClinVar variation 377575 (VCV000377575.10), dbSNP rs1057520246, ClinGen allele CA16607595.